The following is an entry in ClinVar:

ClinVar aggregate classification (germline): Likely pathogenic (1 of 4 stars; one submission).

Conditions:
PCWH syndrome. Also called: WAARDENBURG-SHAH SYNDROME, NEUROLOGIC VARIANT. Identifiers: Orphanet 163746, MedGen C1836727, MONDO:0012198, OMIM 609136.

Submission:

Molecular Genetics Laboratory; Baylor College of Medicine
Classification: Likely pathogenic. Review status: criteria provided, single submitter. Criteria: Submitter's publication. Collection method: not provided. Allele origin: unknown.
ClinVar note: Converted during submission from probable-pathogenic to Likely pathogenic.

NM_006941.4(SOX10):c.1127C>G (p.Ser376Ter)

Genes: POLR2F (RNA polymerase II, I and III subunit F; plus strand), SOX10 (SRY-box transcription factor 10; minus strand). Cytogenetic location: 22q13.1.
Variant type: single nucleotide variant.
Coding change: c.1127C>G on transcript NM_006941.4 (MANE Select); coding-DNA position 1127, C replaced by G.
Protein change: p.Ser376Ter; replaces serine 376 with a stop codon.
Molecular consequence: nonsense. On other transcripts: intron variant (3).
Genome position (GRCh38, 1-based): chr22:37,973,769, G>C on the plus strand (C>G on the coding strand, the complement: SOX10 is on the minus strand). VCF-style: chr22-37973769-G-C. GRCh37 (hg19) VCF-style: chr22-38369776-G-C.
Other names: c.*38+1459G>C (NM_001363825.1); c.293+6599G>C (NM_001301130.2, NM_001301131.2); short protein forms S376*.
Identifiers: ClinVar variation 133302 (VCV000133302.4), dbSNP rs483353058, ClinGen allele CA156405.